The following is an entry in ClinVar:

ClinVar aggregate classification (germline): Pathogenic (1 of 4 stars; one submission).

Conditions:
POLG-related disorder. Also called: POLG-Related Spectrum Disorders; POLG-related condition; POLG-Related Disorders. Identifiers: MedGen C4763519.

Submission:

Myriad Genetics, Inc.
Classification: Pathogenic for POLG-related disorder. Last evaluated: 2025-01-23. Review status: criteria provided, single submitter. Criteria: Myriad Autosomal Dominant, Autosomal Recessive and X-Linked Classification Criteria (2023). Collection method: clinical testing. Allele origin: unknown.
Comment: NM_002693.2(POLG):c.1846G>T(E616*) is expected to be pathogenic in the context of POLG-related disorders. This variant is predicted to lead to an abnormal or absent protein product due to the creation of a premature termination codon in POLG, a gene where loss-of-function variants are known to be pathogenic. Please note: this variant was assessed in the context of healthy population screening.

NM_002693.3(POLG):c.1846G>T (p.Glu616Ter)

Gene: POLG (DNA polymerase gamma, catalytic subunit; minus strand). Cytogenetic location: 15q26.1.
Variant type: single nucleotide variant.
Coding change: c.1846G>T on transcript NM_002693.3 (MANE Select); coding-DNA position 1846, G replaced by T.
Protein change: p.Glu616Ter; replaces glutamic acid 616 with a stop codon.
Molecular consequence: nonsense.
Genome position (GRCh38, 1-based): chr15:89,325,553, C>A on the plus strand (G>T on the coding strand, the complement: POLG is on the minus strand). VCF-style: chr15-89325553-C-A. GRCh37 (hg19) VCF-style: chr15-89868784-C-A.
Other names: c.1846G>T, p.Glu616Ter (NM_001126131.2); short protein forms E616*.
Identifiers: ClinVar variation 5014009 (VCV005014009.1).